The following is an entry in ClinVar:

ClinVar aggregate classification (germline): Likely benign (1 of 4 stars; one submission).

Conditions:
MTM1-related disorder. Also called: MTM1-related condition.

Submission:

PreventionGenetics, part of Exact Sciences
Classification: Likely benign for MTM1-related condition. Last evaluated: 2024-10-29. Review status: criteria provided, single submitter. Criteria: ACMG Guidelines, 2015. Collection method: clinical testing. Allele origin: germline.
Comment: This variant is classified as likely benign based on ACMG/AMP sequence variant interpretation guidelines (Richards et al. 2015 PMID: 25741868, with internal and published modifications).

NM_000252.3(MTM1):c.137-5A>C

Gene: MTM1 (myotubularin 1; plus strand). Cytogenetic location: Xq28.
Variant type: single nucleotide variant.
Coding change: c.137-5A>C on transcript NM_000252.3 (MANE Select); 5 bases into the intron before coding-DNA position 137, A replaced by C.
Molecular consequence: intron variant.
Genome position (GRCh38, 1-based): chrX:150,598,587, A>C. VCF-style: chrX-150598587-A-C. GRCh37 (hg19) VCF-style: chrX-149767051-A-C.
Other names: c.137-5A>C (NM_001376908.1, NM_001376906.1, NM_001376907.1).
Identifiers: ClinVar variation 5001381 (VCV005001381.1).